The following is an entry in ClinVar:

ClinVar aggregate classification (germline): Pathogenic (1 of 4 stars; one submission).

Submission:

Athena Diagnostics
Classification: Pathogenic. Last evaluated: 2019-09-06. Review status: criteria provided, single submitter. Criteria: Athena Diagnostics Criteria. Collection method: clinical testing. Allele origin: unknown.
Comment: This variant is expected to result in the loss of a functional protein due to loss of a splice site. This variant has not been reported in large, multi-ethnic general populations. This observation is not an independent occurrence and has been identified in the same individual by RCIGM, the other laboratory participating in the GEMINI study.

NM_005413.4(SIX3):c.794_806+27delinsAGGCCA

Gene: SIX3 (SIX homeobox 3; plus strand). Cytogenetic location: 2p21.
Variant type: Indel.
Coding change: c.794_806+27delinsAGGCCA on transcript NM_005413.4 (MANE Select); coding-DNA position 794 through 27 bases into the intron after coding-DNA position 806, the reference bases replaced by AGGCCA.
Molecular consequence: splice donor variant.
Genome position (GRCh38, 1-based): chr2:44,942,898-44,942,937, 40 bases replaced. GRCh37 (hg19): chr2:45,170,037-45,170,076.
Identifiers: ClinVar variation 1809731 (VCV001809731.1), dbSNP rs2466515122, ClinGen allele CA2580066544.
Genomic context (GRCh38, chr2:44,942,898, plus strand): 5'-TCACTCCCACACAAGTAGGCAACTGGTTTAAGAACCGGCGGCAGCGCGACCGCGCCGCGG[CGGCCAAGAACAGGTTAGTGGCGGGGCCCGCGGCCTGGCT>AGGCCA]ACAGCCTCAGAGGCCTGGGAAGGGGAGAGGGGTTGAGATGGGGCTAGCGGAGCGGCCGCT-3'